The following is an entry in ClinVar:

NM_003073.5(SMARCB1):c.286G>A (p.Val96Met)

Gene: SMARCB1 (SWI/SNF related BAF chromatin remodeling complex subunit B1; plus strand). Cytogenetic location: 22q11.23.
Variant type: single nucleotide variant.
Coding change: c.286G>A on transcript NM_003073.5 (MANE Select); coding-DNA position 286, G replaced by A.
Protein change: p.Val96Met; replaces valine 96 with methionine.
Molecular consequence: missense variant.
Genome position (GRCh38, 1-based): chr22:23,793,612, G>A. VCF-style: chr22-23793612-G-A. GRCh37 (hg19) VCF-style: chr22-24135799-G-A.
Other names: c.259G>A, p.Val87Met (NM_001007468.3, NM_001317946.2); c.286G>A, p.Val96Met (NM_001362877.2); short protein forms V87M, V96M.
Identifiers: ClinVar variation 1719248 (VCV001719248.6), dbSNP rs2145963983, ClinGen allele CA410933755.

ClinVar aggregate classification (germline): Uncertain significance. Review status: criteria provided, multiple submitters, no conflicts (2 of 4 stars). 2 submissions from 2 submitters: Uncertain significance (2). Last evaluated 2026-02-16.

Conditions:
Hereditary cancer-predisposing syndrome. Also called: Tumor predisposition; Hereditary Cancer Syndrome; Hereditary neoplastic syndrome; Neoplastic Syndromes, Hereditary. Identifiers: Orphanet 140162, MedGen C0027672, MeSH D009386, MONDO:0015356.

Submissions (2):

Ambry Genetics
Classification: Uncertain significance for Hereditary cancer-predisposing syndrome. Last evaluated: 2026-02-16. Review status: criteria provided, single submitter. Criteria: Ambry Variant Classification Scheme 2023. Collection method: clinical testing. Allele origin: germline.
Comment: The p.V96M variant (also known as c.286G>A), located in coding exon 3 of the SMARCB1 gene, results from a G to A substitution at nucleotide position 286. The valine at codon 96 is replaced by methionine, an amino acid with highly similar properties. This amino acid position is conserved. In addition, the in silico prediction for this alteration is inconclusive. Based on the available evidence, the clinical significance of this variant remains unclear.

Labcorp Genetics (formerly Invitae), Labcorp
Classification: Uncertain significance. Last evaluated: 2023-07-10. Review status: criteria provided, single submitter. Criteria: Invitae Variant Classification Sherloc (09022015). Collection method: clinical testing. Allele origin: germline.
Comment: This sequence change replaces valine, which is neutral and non-polar, with methionine, which is neutral and non-polar, at codon 96 of the SMARCB1 protein (p.Val96Met). This variant is not present in population databases (gnomAD no frequency). This variant has not been reported in the literature in individuals affected with SMARCB1-related conditions. ClinVar contains an entry for this variant (Variation ID: 1719248). Advanced modeling of protein sequence and biophysical properties (such as structural, functional, and spatial information, amino acid conservation, physicochemical variation, residue mobility, and thermodynamic stability) performed at Invitae indicates that this missense variant is expected to disrupt SMARCB1 protein function. In summary, the available evidence is currently insufficient to determine the role of this variant in disease. Therefore, it has been classified as a Variant of Uncertain Significance.